The following is an entry in ClinVar:

NC_000017.11:g.(?_43063313)_(43125483_?)del

Genes: BRCA1 (BRCA1 DNA repair associated; minus strand), LOC126862571 (BRD4-independent group 4 enhancer GRCh37_chr17:41243136-41244335; plus strand), LOC110485084 (BRCA1 intronic recombination region; plus strand), LOC111589215 (BRCA1 promoter region; plus strand), LOC111589216 (BRCA1 intron 2 regulatory region; plus strand). Cytogenetic location: 17q21.31.
Variant type: Deletion.
Identifiers: ClinVar variation 583843 (VCV000583843.3).

ClinVar aggregate classification (germline): Pathogenic (1 of 4 stars; one submission).

Conditions:
Hereditary breast ovarian cancer syndrome. Also called: Hereditary breast and ovarian cancer syndrome; Hereditary breast and/or ovarian cancer syndrome; Hereditary breast and ovarian cancer syndrome (HBOC); Breast and ovarian cancer; BRCA1- and BRCA2-Associated Hereditary Breast and Ovarian Cancer; Hereditary breast and ovarian cancer. Identifiers: Orphanet 145, MedGen C0677776, MeSH D061325, MONDO:0003582. Disease mechanism: loss of function.

Submission:

Labcorp Genetics (formerly Invitae), Labcorp
Classification: Pathogenic for Hereditary breast ovarian cancer syndrome. Last evaluated: 2022-10-15. Review status: criteria provided, single submitter. Criteria: Invitae Variant Classification Sherloc (09022015). Collection method: clinical testing. Allele origin: germline.
Comment: This variant is a gross deletion of the genomic region encompassing exon(s) 1-18 of the BRCA1 gene, which includes the initiator codon. This deletion extends beyond the assayed region for this gene and therefore may encompass additional genes. It is expected to result in an absent or disrupted protein product. Loss-of-function variants in BRCA1 are known to be pathogenic (PMID: 20104584). A similar copy number variant has been observed in individual(s) with ovarian cancer (PMID: 26681312). For these reasons, this variant has been classified as Pathogenic.

Literature cited by the submitters: PubMed 20104584; PubMed 26681312.